The following is an entry in ClinVar:

ClinVar aggregate classification (germline): Uncertain significance (1 of 4 stars; one submission).

Allele frequency attached by ClinVar (database versions not stated): ExAC 0.00001.

Submission:

Labcorp Genetics (formerly Invitae), Labcorp
Classification: Uncertain significance. Last evaluated: 2023-11-27. Review status: criteria provided, single submitter. Criteria: Invitae Variant Classification Sherloc (09022015). Collection method: clinical testing. Allele origin: germline.
Comment: This sequence change replaces threonine, which is neutral and polar, with arginine, which is basic and polar, at codon 54 of the SLC12A6 protein (p.Thr54Arg). This variant is present in population databases (rs749657345, gnomAD 0.006%). This variant has not been reported in the literature in individuals affected with SLC12A6-related conditions. Advanced modeling of protein sequence and biophysical properties (such as structural, functional, and spatial information, amino acid conservation, physicochemical variation, residue mobility, and thermodynamic stability) performed at Invitae indicates that this missense variant is not expected to disrupt SLC12A6 protein function with a negative predictive value of 95%. In summary, the available evidence is currently insufficient to determine the role of this variant in disease. Therefore, it has been classified as a Variant of Uncertain Significance.

NM_001365088.1(SLC12A6):c.161C>G (p.Thr54Arg)

Gene: SLC12A6 (solute carrier family 12 member 6; minus strand). Cytogenetic location: 15q14.
Variant type: single nucleotide variant.
Coding change: c.161C>G on transcript NM_001365088.1 (MANE Select); coding-DNA position 161, C replaced by G.
Protein change: p.Thr54Arg; replaces threonine 54 with arginine.
Molecular consequence: missense variant. On other transcripts: 5 prime UTR variant (2).
Genome position (GRCh38, 1-based): chr15:34,336,520, G>C on the plus strand (C>G on the coding strand, the complement: SLC12A6 is on the minus strand). VCF-style: chr15-34336520-G-C. GRCh37 (hg19) VCF-style: chr15-34628721-G-C.
Other names: c.-17C>G (NM_001042494.2, NM_001042495.2); c.134C>G, p.Thr45Arg (NM_001042496.2); c.161C>G, p.Thr54Arg (NM_001042497.2, NM_133647.2); short protein forms T45R, T54R.
Identifiers: ClinVar variation 3018950 (VCV003018950.3), dbSNP rs749657345, ClinGen allele CA7464703.